The following is an entry in ClinVar:

NM_183075.3(CYP2U1):c.1397G>A (p.Arg466Gln)

Gene: CYP2U1 (cytochrome P450 family 2 subfamily U member 1; plus strand). Cytogenetic location: 4q25.
Variant type: single nucleotide variant.
Coding change: c.1397G>A on transcript NM_183075.3 (MANE Select); coding-DNA position 1397, G replaced by A.
Protein change: p.Arg466Gln; replaces arginine 466 with glutamine.
Molecular consequence: missense variant.
Genome position (GRCh38, 1-based): chr4:107,949,458, G>A. VCF-style: chr4-107949458-G-A. GRCh37 (hg19) VCF-style: chr4-108870614-G-A.
Other names: short protein forms R466Q.
Identifiers: ClinVar variation 641459 (VCV000641459.7), dbSNP rs143952943, ClinGen allele CA3037196.

ClinVar aggregate classification (germline): Uncertain significance. Review status: criteria provided, multiple submitters, no conflicts (2 of 4 stars). 2 submissions from 2 submitters: Uncertain significance (2). Last evaluated 2025-12-01.

Conditions:
Spastic paraplegia. Identifiers: MedGen C0037772, HP:0001258.
Hereditary spastic paraplegia 56. Also called: SPASTIC PARAPLEGIA 56, AUTOSOMAL RECESSIVE, WITH OR WITHOUT PSEUDOXANTHOMA ELASTICUM; Spastic Paraplegia 56; Spastic paraplegia 56, autosomal recessive. Identifiers: Orphanet 320411, MedGen C3539507, MONDO:0014015, OMIM 615030.

Allele frequency attached by ClinVar (database versions not stated): gnomAD exomes 0.00010; ExAC 0.00015; 1000 Genomes Project 0.00040; ESP Exome Variant Server 0.00046; gnomAD 0.00050 and 0.00054; TOPMed 0.00053; 1000 Genomes Project 30x 0.00062.
gnomAD v4.1: 152 of 1,609,756 alleles (0.0094%); highest among the groups gnomAD compares: African/African-American, 0.19%; no homozygotes.

Submissions (2):

Labcorp Genetics (formerly Invitae), Labcorp
Classification: Uncertain significance for Spastic paraplegia. Last evaluated: 2025-12-01. Review status: criteria provided, single submitter. Criteria: Invitae Variant Classification Sherloc (09022015). Collection method: clinical testing. Allele origin: germline.
Comment: This sequence change replaces arginine, which is basic and polar, with glutamine, which is neutral and polar, at codon 466 of the CYP2U1 protein (p.Arg466Gln). This variant is present in population databases (rs143952943, gnomAD 0.2%). This variant has not been reported in the literature in individuals affected with CYP2U1-related conditions. ClinVar contains an entry for this variant (Variation ID: 641459). Invitae Evidence Modeling of protein sequence and biophysical properties (such as structural, functional, and spatial information, amino acid conservation, physicochemical variation, residue mobility, and thermodynamic stability) indicates that this missense variant is expected to disrupt CYP2U1 protein function with a positive predictive value of 95%. In summary, the available evidence is currently insufficient to determine the role of this variant in disease. Therefore, it has been classified as a Variant of Uncertain Significance.

Baylor Genetics
Classification: Uncertain significance for Hereditary spastic paraplegia 56. Last evaluated: 2020-09-03. Review status: criteria provided, single submitter. Criteria: ACMG Guidelines, 2015. Collection method: clinical testing. Allele origin: unknown. Affected: yes.
Comment: This variant was determined to be of uncertain significance according to ACMG Guidelines, 2015 [PMID:25741868].